The following is an entry in ClinVar:

ClinVar aggregate classification (germline): Conflicting classifications of pathogenicity. Review status: criteria provided, conflicting classifications (1 of 4 stars). 3 submissions from 3 submitters: Uncertain significance (2); Likely benign (1). Last evaluated 2026-06-22.

Conditions:
Hereditary cancer-predisposing syndrome. Also called: Hereditary Cancer Syndrome; Neoplastic Syndromes, Hereditary; Hereditary neoplastic syndrome; Tumor predisposition. Identifiers: Orphanet 140162, MedGen C0027672, MeSH D009386, MONDO:0015356.
Hereditary diffuse gastric adenocarcinoma (HDGC). Also called: DIFFUSE GASTRIC AND LOBULAR BREAST CANCER SYNDROME. Identifiers: Orphanet 26106, MedGen C1708349, MONDO:0007648, OMIM 137215.

Submissions (3):

Ambry Genetics
Classification: Likely benign for Hereditary cancer-predisposing syndrome. Last evaluated: 2026-06-22. Review status: criteria provided, single submitter. Criteria: Ambry Variant Classification Scheme 2023. Collection method: clinical testing. Allele origin: germline.

GeneDx
Classification: Uncertain significance. Last evaluated: 2024-08-07. Review status: criteria provided, single submitter. Criteria: GeneDx Variant Classification Process June 2021. Collection method: clinical testing. Allele origin: germline. Affected: yes.
Comment: Not observed at significant frequency in large population cohorts (gnomAD); In silico analysis indicates that this missense variant does not alter protein structure/function; Has not been previously published as pathogenic or benign to our knowledge; This variant is associated with the following publications: (PMID: 15235021)

Labcorp Genetics (formerly Invitae), Labcorp
Classification: Uncertain significance for Hereditary diffuse gastric adenocarcinoma. Last evaluated: 2021-10-15. Review status: criteria provided, single submitter. Criteria: Invitae Variant Classification Sherloc (09022015). Collection method: clinical testing. Allele origin: germline.
Comment: This variant is not present in population databases (ExAC no frequency). This sequence change replaces alanine with glutamic acid at codon 137 of the CDH1 protein (p.Ala137Glu). The alanine residue is weakly conserved and there is a moderate physicochemical difference between alanine and glutamic acid. This variant has not been reported in the literature in individuals affected with CDH1-related conditions. In summary, the available evidence is currently insufficient to determine the role of this variant in disease. Therefore, it has been classified as a Variant of Uncertain Significance. Algorithms developed to predict the effect of missense changes on protein structure and function (SIFT, PolyPhen-2, Align-GVGD) all suggest that this variant is likely to be tolerated.

NM_004360.5(CDH1):c.410C>A (p.Ala137Glu)

Gene: CDH1 (cadherin 1; plus strand). Cytogenetic location: 16q22.1.
Variant type: single nucleotide variant.
Coding change: c.410C>A on transcript NM_004360.5 (MANE Select); coding-DNA position 410, C replaced by A.
Protein change: p.Ala137Glu; replaces alanine 137 with glutamic acid.
Molecular consequence: missense variant. On other transcripts: 5 prime UTR variant (2).
Genome position (GRCh38, 1-based): chr16:68,808,446, C>A. VCF-style: chr16-68808446-C-A. GRCh37 (hg19) VCF-style: chr16-68842349-C-A.
Other names: c.410C>A (NM_004360.3); c.410C>A, p.Ala137Glu (NM_001317184.2); c.-1206C>A (NM_001317185.2); c.-1410C>A (NM_001317186.2); short protein forms A137E.
Identifiers: ClinVar variation 1432280 (VCV001432280.9), dbSNP rs2152129622, ClinGen allele CA396457560.